The following is an entry in ClinVar:

NM_006914.4(RORB):c.304C>T (p.Gln102Ter)

Gene: RORB (RAR related orphan receptor B; plus strand). Cytogenetic location: 9q21.13.
Variant type: single nucleotide variant.
Coding change: c.304C>T on transcript NM_006914.4 (MANE Select); coding-DNA position 304, C replaced by T.
Protein change: p.Gln102Ter; replaces glutamine 102 with a stop codon.
Molecular consequence: nonsense.
Genome position (GRCh38, 1-based): chr9:74,642,482, C>T. VCF-style: chr9-74642482-C-T. GRCh37 (hg19) VCF-style: chr9-77257398-C-T.
Other names: c.337C>T, p.Gln113Ter (NM_001365023.1); short protein forms Q113*, Q102*.
Identifiers: ClinVar variation 2718853 (VCV002718853.3), dbSNP rs2489583296, ClinGen allele CA373769567.

ClinVar aggregate classification (germline): Pathogenic (1 of 4 stars; one submission).

Submission:

Labcorp Genetics (formerly Invitae), Labcorp
Classification: Pathogenic. Last evaluated: 2024-10-15. Review status: criteria provided, single submitter. Criteria: Invitae Variant Classification Sherloc (09022015). Collection method: clinical testing. Allele origin: germline.
Comment: This sequence change creates a premature translational stop signal (p.Gln102*) in the RORB gene. It is expected to result in an absent or disrupted protein product. Loss-of-function variants in RORB are known to be pathogenic (PMID: 27352968). This variant is not present in population databases (gnomAD no frequency). This variant has not been reported in the literature in individuals affected with RORB-related conditions. For these reasons, this variant has been classified as Pathogenic.

Literature cited by the submitters: PubMed 27352968.